The following is an entry in ClinVar:

NM_000263.4(NAGLU):c.1273G>A (p.Gly425Arg)

Gene: NAGLU (N-acetyl-alpha-glucosaminidase; plus strand). Cytogenetic location: 17q21.2.
Variant type: single nucleotide variant.
Coding change: c.1273G>A on transcript NM_000263.4 (MANE Select); coding-DNA position 1273, G replaced by A.
Protein change: p.Gly425Arg; replaces glycine 425 with arginine.
Molecular consequence: missense variant.
Genome position (GRCh38, 1-based): chr17:42,543,279, G>A. VCF-style: chr17-42543279-G-A. GRCh37 (hg19) VCF-style: chr17-40695297-G-A.
Other names: short protein forms G425R.
Identifiers: ClinVar variation 2419661 (VCV002419661.3), dbSNP rs922118065, ClinGen allele CA290780288.

ClinVar aggregate classification (germline): Uncertain significance (1 of 4 stars; one submission).

Conditions:
Charcot-Marie-Tooth disease axonal type 2V. Also called: CHARCOT-MARIE-TOOTH DISEASE, AXONAL, AUTOSOMAL DOMINANT, TYPE 2V; CHARCOT-MARIE-TOOTH NEUROPATHY, TYPE 2V. Identifiers: Orphanet 447964, MedGen C5569050, MONDO:0014665, OMIM 616491.
Mucopolysaccharidosis, MPS-III-B (MPS3B). Also called: N-ACETYL-ALPHA-D-GLUCOSAMINIDASE DEFICIENCY; NAGLU DEFICIENCY; SANFILIPPO SYNDROME B; MPS IIIB (Sanfilippo Syndrome Type B); MPS III B; Mucopolysaccharidosis type IIIB (Sanfilippo B). Identifiers: Orphanet 79270, MedGen C0086648, MONDO:0009656, OMIM 252920.

Allele frequency attached by ClinVar (database versions not stated): gnomAD 0.00001; gnomAD exomes 0.00001; TOPMed 0.00002.
gnomAD v4.1: 7 of 1,613,866 alleles (0.00043%); highest among the groups gnomAD compares: Middle Eastern, 0.016%; no homozygotes.

Submission:

Labcorp Genetics (formerly Invitae), Labcorp
Classification: Uncertain significance for Charcot-Marie-Tooth disease axonal type 2V; Mucopolysaccharidosis, MPS-III-B. Last evaluated: 2022-05-28. Review status: criteria provided, single submitter. Criteria: Invitae Variant Classification Sherloc (09022015). Collection method: clinical testing. Allele origin: germline.
Comment: This sequence change replaces glycine, which is neutral and non-polar, with arginine, which is basic and polar, at codon 425 of the NAGLU protein (p.Gly425Arg). This variant is present in population databases (no rsID available, gnomAD 0.003%). This variant has not been reported in the literature in individuals affected with NAGLU-related conditions. Advanced modeling of protein sequence and biophysical properties (such as structural, functional, and spatial information, amino acid conservation, physicochemical variation, residue mobility, and thermodynamic stability) performed at Invitae indicates that this missense variant is not expected to disrupt NAGLU protein function. In summary, the available evidence is currently insufficient to determine the role of this variant in disease. Therefore, it has been classified as a Variant of Uncertain Significance.